The following is an entry in ClinVar:

ClinVar aggregate classification (germline): Uncertain significance (1 of 4 stars; one submission).

Conditions:
Hereditary cancer-predisposing syndrome. Also called: Hereditary Cancer Syndrome; Tumor predisposition; Hereditary neoplastic syndrome; Neoplastic Syndromes, Hereditary. Identifiers: Orphanet 140162, MedGen C0027672, MeSH D009386, MONDO:0015356.
Cardiovascular phenotype. Identifiers: MedGen CN230736.

Submission:

Ambry Genetics
Classification: Uncertain significance for Cardiovascular phenotype; Hereditary cancer-predisposing syndrome. Last evaluated: 2024-11-14. Review status: criteria provided, single submitter. Criteria: Ambry Variant Classification Scheme 2023. Collection method: clinical testing. Allele origin: germline.
Comment: The p.D2406V variant (also known as c.7217A>T), located in coding exon 48 of the NF1 gene, results from an A to T substitution at nucleotide position 7217. The aspartic acid at codon 2406 is replaced by valine, an amino acid with highly dissimilar properties. This amino acid position is conserved. In addition, the in silico prediction for this alteration is inconclusive. Based on the available evidence, the clinical significance of this variant remains unclear.

NM_001042492.3(NF1):c.7280A>T (p.Asp2427Val)

Gene: NF1 (neurofibromin 1; plus strand). Cytogenetic location: 17q11.2.
Variant type: single nucleotide variant.
Coding change: c.7280A>T on transcript NM_001042492.3 (MANE Select); coding-DNA position 7280, A replaced by T.
Protein change: p.Asp2427Val; replaces aspartic acid 2427 with valine.
Molecular consequence: missense variant.
Genome position (GRCh38, 1-based): chr17:31,349,210, A>T. VCF-style: chr17-31349210-A-T. GRCh37 (hg19) VCF-style: chr17-29676228-A-T.
Other names: c.7217A>T, p.Asp2406Val (NM_000267.4); short protein forms D2406V, D2427V.
Identifiers: ClinVar variation 3404914 (VCV003404914.1).